The following is an entry in ClinVar:

ClinVar aggregate classification (germline): Pathogenic/Likely pathogenic. Review status: criteria provided, multiple submitters, no conflicts (2 of 4 stars). 9 submissions from 8 submitters: Pathogenic (4); Likely pathogenic (4). 1 of the submissions does not count toward it. Last evaluated 2023-11-04.

Conditions:
Hearing impairment. Also called: Impaired Hearing. Identifiers: MedGen C1384666, MONDO:0005365, HP:0000365.
USH2A-related disorder. Also called: USH2A-related condition; USH2A-related disorders. Identifiers: MedGen CN239332.
Usher syndrome type 2A. Also called: USHER SYNDROME, TYPE IIA; RETINAL DISEASE IN USHER SYNDROME TYPE IIA, MODIFIER OF. Identifiers: Orphanet 231178, Orphanet 886, MedGen C1848634, MONDO:0010169, OMIM 276901.
Retinitis pigmentosa 39 (RP39). Identifiers: Orphanet 791, MedGen C3151138, MONDO:0013436, OMIM 613809.

Allele frequency attached by ClinVar (database versions not stated): gnomAD 0.00001; TOPMed 0.00001.
gnomAD v4.1: 2 of 1,613,356 alleles (0.00012%); highest among the groups gnomAD compares: Non-Finnish European, 0.00017%; no homozygotes.

Submissions (9):

Genome-Nilou Lab
Classification: Likely pathogenic for Retinitis pigmentosa 39. Last evaluated: 2023-11-04. Review status: criteria provided, single submitter. Criteria: ACMG Guidelines, 2015. Collection method: clinical testing. Allele origin: germline. Affected: no.

Genome-Nilou Lab
Classification: Likely pathogenic for Usher syndrome type 2A. Last evaluated: 2023-11-04. Review status: criteria provided, single submitter. Criteria: ACMG Guidelines, 2015. Collection method: clinical testing. Allele origin: germline. Affected: no.

Baylor Genetics
Classification: Pathogenic for Retinitis pigmentosa 39. Last evaluated: 2023-05-30. Review status: criteria provided, single submitter. Criteria: ACMG Guidelines, 2015. Collection method: clinical testing. Allele origin: unknown.

Labcorp Genetics (formerly Invitae), Labcorp
Classification: Pathogenic. Last evaluated: 2023-02-03. Review status: criteria provided, single submitter. Criteria: Invitae Variant Classification Sherloc (09022015). Collection method: clinical testing. Allele origin: germline.
Comment: For these reasons, this variant has been classified as Pathogenic. ClinVar contains an entry for this variant (Variation ID: 444203). This premature translational stop signal has been observed in individual(s) with clinical features of USH2A-related conditions (PMID: 32037395). This variant is not present in population databases (gnomAD no frequency). This sequence change creates a premature translational stop signal (p.Trp1706*) in the USH2A gene. It is expected to result in an absent or disrupted protein product. Loss-of-function variants in USH2A are known to be pathogenic (PMID: 10729113, 10909849, 20507924, 25649381).

Blueprint Genetics
Classification: Pathogenic for USH2A-related disorders. Last evaluated: 2022-07-26. Review status: criteria provided, single submitter. Criteria: ACMG Guidelines, 2015. Collection method: clinical testing. Allele origin: germline. Affected: yes. Observed: 5 variant alleles.

Department of Otolaryngology – Head & Neck Surgery, Cochlear Implant Center
Classification: Likely pathogenic for Hearing impairment. Last evaluated: 2021-04-12. Review status: criteria provided, single submitter. Criteria: ClinGen HL ACMG Specifications v1. Collection method: clinical testing. Allele origin: germline. Affected: yes.
Comment: PVS1_Strong, PM2_Moderate

CeGaT Center for Human Genetics Tuebingen
Classification: Likely pathogenic. Last evaluated: 2017-03-01. Review status: criteria provided, single submitter. Criteria: CeGaT Center For Human Genetics Tuebingen Variant Classification Criteria Version 2. Collection method: clinical testing. Allele origin: germline. Affected: yes. Observed: 1 variant allele.

Eurofins Ntd Llc (ga)
Classification: Pathogenic. Last evaluated: 2017-02-09. Review status: criteria provided, single submitter. Criteria: EGL Classification Definitions 2015. Collection method: clinical testing. Allele origin: germline. Observed: 2 variant alleles, 2 heterozygotes.

Counsyl
Classification: Likely pathogenic for Usher syndrome type 2A; Retinitis pigmentosa 39. Last evaluated: 2018-01-25. Review status: no assertion criteria provided. Collection method: clinical testing. Allele origin: unknown. Not counted in ClinVar's aggregate classification.

Literature cited by the submitters: PubMed 32037395 (cited by Labcorp Genetics (formerly Invitae), Labcorp); PubMed 10729113 (cited by Labcorp Genetics (formerly Invitae), Labcorp); PubMed 10909849 (cited by Labcorp Genetics (formerly Invitae), Labcorp); PubMed 20507924 (cited by Labcorp Genetics (formerly Invitae), Labcorp); PubMed 25649381 (cited by Labcorp Genetics (formerly Invitae), Labcorp).

NM_206933.4(USH2A):c.5118G>A (p.Trp1706Ter)

Genes: USH2A (usherin; minus strand), USH2A-AS2 (USH2A antisense RNA 2; plus strand). Cytogenetic location: 1q41.
Variant type: single nucleotide variant.
Coding change: c.5118G>A on transcript NM_206933.4 (MANE Select); coding-DNA position 5118, G replaced by A.
Protein change: p.Trp1706Ter; replaces tryptophan 1706 with a stop codon.
Molecular consequence: nonsense.
Genome position (GRCh38, 1-based): chr1:216,084,747, C>T on the plus strand (G>A on the coding strand, the complement: USH2A is on the minus strand). VCF-style: chr1-216084747-C-T. GRCh37 (hg19) VCF-style: chr1-216258089-C-T.
Other names: short protein forms W1706*.
Identifiers: ClinVar variation 444203 (VCV000444203.59), dbSNP rs1461319754, ClinGen allele CA344858879.